The following is an entry in ClinVar:

NM_000186.4(CFH):c.471del (p.Ile157fs)

Gene: CFH (complement factor H; plus strand). Cytogenetic location: 1q31.3.
Variant type: Deletion.
Coding change: c.471del on transcript NM_000186.4 (MANE Select); coding-DNA position 471, one base deleted (T; older notation c.471delT).
Protein change: p.Ile157fs; shifts the reading frame from isoleucine 157.
Molecular consequence: frameshift variant.
Genome position (GRCh38, 1-based): chr1:196,677,519, T deleted; the last of 2 consecutive T bases (chr1:196,677,518-196,677,519); deleting either gives the same sequence. VCF-style (leftmost placement, unchanged base first): chr1-196677517-AT-A. GRCh37 (hg19) VCF-style: chr1-196646647-AT-A.
Other names: c.471del, p.Ile157fs (NM_001014975.3); short protein forms I157fs.
Identifiers: ClinVar variation 1428739 (VCV001428739.6), dbSNP rs2149080704, ClinGen allele CA2573131335.

ClinVar aggregate classification (germline): Pathogenic (1 of 4 stars; one submission).

Submission:

Labcorp Genetics (formerly Invitae), Labcorp
Classification: Pathogenic. Last evaluated: 2022-09-14. Review status: criteria provided, single submitter. Criteria: Invitae Variant Classification Sherloc (09022015). Collection method: clinical testing. Allele origin: germline.
Comment: For these reasons, this variant has been classified as Pathogenic. Algorithms developed to predict the effect of sequence changes on RNA splicing suggest that this variant may create or strengthen a splice site. ClinVar contains an entry for this variant (Variation ID: 1428739). This variant has not been reported in the literature in individuals affected with CFH-related conditions. This variant is not present in population databases (gnomAD no frequency). This sequence change creates a premature translational stop signal (p.Ile157Metfs*60) in the CFH gene. It is expected to result in an absent or disrupted protein product. Loss-of-function variants in CFH are known to be pathogenic (PMID: 11170896, 14978182, 16621965, 23870792, 25188723).

Literature cited by the submitters: PubMed 11170896; PubMed 14978182; PubMed 16621965; PubMed 23870792; PubMed 25188723.